The following is an entry in ClinVar:

ClinVar aggregate classification (germline): Uncertain significance. Review status: criteria provided, multiple submitters, no conflicts (2 of 4 stars). 2 submissions from 2 submitters: Uncertain significance (2). Last evaluated 2022-08-16.

Conditions:
MHC class II deficiency. Also called: BLS, TYPE II; Bare lymphocyte syndrome 2. Identifiers: Orphanet 572, MedGen C5447452, MONDO:0008855.

Allele frequency attached by ClinVar (database versions not stated): gnomAD exomes 0.00001 and 0.00002; TOPMed 0.00003; ExAC 0.00004; gnomAD 0.00005 and 0.00006; ESP Exome Variant Server 0.00015.
gnomAD v4.1: 24 of 1,613,472 alleles (0.0015%); highest among the groups gnomAD compares: African/African-American, 0.0067%; no homozygotes.

Submissions (2):

Labcorp Genetics (formerly Invitae), Labcorp
Classification: Uncertain significance for MHC class II deficiency. Last evaluated: 2022-08-16. Review status: criteria provided, single submitter. Criteria: Invitae Variant Classification Sherloc (09022015). Collection method: clinical testing. Allele origin: germline.
Comment: This sequence change replaces arginine, which is basic and polar, with tryptophan, which is neutral and slightly polar, at codon 615 of the CIITA protein (p.Arg615Trp). This variant is present in population databases (rs144630160, gnomAD 0.007%). This variant has not been reported in the literature in individuals affected with CIITA-related conditions. ClinVar contains an entry for this variant (Variation ID: 1371980). Algorithms developed to predict the effect of missense changes on protein structure and function (SIFT, PolyPhen-2, Align-GVGD) all suggest that this variant is likely to be tolerated. In summary, the available evidence is currently insufficient to determine the role of this variant in disease. Therefore, it has been classified as a Variant of Uncertain Significance.

Blueprint Genetics
Classification: Uncertain significance. Last evaluated: 2022-01-04. Review status: criteria provided, single submitter. Criteria: ACMG Guidelines, 2015. Collection method: clinical testing. Allele origin: germline.

NM_000246.4(CIITA):c.1843C>T (p.Arg615Trp)

Gene: CIITA (class II major histocompatibility complex transactivator; plus strand). Cytogenetic location: 16p13.13.
Variant type: single nucleotide variant.
Coding change: c.1843C>T on transcript NM_000246.4 (MANE Select); coding-DNA position 1843, C replaced by T.
Protein change: p.Arg615Trp; replaces arginine 615 with tryptophan.
Molecular consequence: missense variant. On other transcripts: intron variant (1).
Genome position (GRCh38, 1-based): chr16:10,907,335, C>T. VCF-style: chr16-10907335-C-T. GRCh37 (hg19) VCF-style: chr16-11001192-C-T.
Other names: c.1846C>T, p.Arg616Trp (NM_001286402.1, NM_001379332.1); c.1699C>T, p.Arg567Trp (NM_001379330.1); c.1696C>T, p.Arg566Trp (NM_001379331.1); c.1843C>T, p.Arg615Trp (NM_001379333.1); c.1774C>T, p.Arg592Trp (NM_001379334.1); c.860-1648C>T (NM_001286403.2); short protein forms R567W, R592W, R616W, R566W, R615W.
Identifiers: ClinVar variation 1371980 (VCV001371980.6), dbSNP rs144630160, ClinGen allele CA7900230.